The following is an entry in ClinVar:

NM_032575.3(GLIS2):c.56C>T (p.Ala19Val)

Gene: GLIS2 (GLIS family zinc finger 2; plus strand). Cytogenetic location: 16p13.3.
Variant type: single nucleotide variant.
Coding change: c.56C>T on transcript NM_032575.3 (MANE Select); coding-DNA position 56, C replaced by T.
Protein change: p.Ala19Val; replaces alanine 19 with valine.
Molecular consequence: missense variant.
Genome position (GRCh38, 1-based): chr16:4,332,336, C>T. VCF-style: chr16-4332336-C-T. GRCh37 (hg19) VCF-style: chr16-4382337-C-T.
Other names: c.56C>T, p.Ala19Val (NM_001318918.2); short protein forms A19V.
Identifiers: ClinVar variation 884457 (VCV000884457.15), dbSNP rs560306322, ClinGen allele CA7872886.
Genomic context (GRCh38, chr16:4,332,336, plus strand): 5'-TCACCATGCACTCCCTGGACGAGCCGCTCGACCTGAAGCTGAGTATCACCAAGCTCCGGG[C>T]GGCAAGAGAGAAGCGGGAGAGGACGCTGGGTGTGGTCCGGCCCCGTGCTCTGCACAGGGA-3'
Protein context (NP_115964.2, residues 9-29): DLKLSITKLR[Ala19Val]AREKRERTLG

ClinVar aggregate classification (germline): Uncertain significance. Review status: criteria provided, multiple submitters, no conflicts (2 of 4 stars). 4 submissions from 4 submitters: Uncertain significance (4). Last evaluated 2024-03-02.

Conditions:
Nephronophthisis. Also called: Juvenile Nephronophthisis. Identifiers: Orphanet 655, MedGen C0687120, MONDO:0019005, HP:0000090.
Nephronophthisis 7 (NPHP7). Identifiers: Orphanet 655, MedGen C1969092, MONDO:0012680, OMIM 611498.

Allele frequency attached by ClinVar (database versions not stated): gnomAD exomes 0.00003; ExAC 0.00004; 1000 Genomes Project 0.00020; TOPMed 0.00002; 1000 Genomes Project 30x 0.00031.

Submissions (4):

Fulgent Genetics
Classification: Uncertain significance for Nephronophthisis 7. Last evaluated: 2024-03-02. Review status: criteria provided, single submitter. Criteria: ACMG Guidelines, 2015. Collection method: clinical testing. Allele origin: germline.

Labcorp Genetics (formerly Invitae), Labcorp
Classification: Uncertain significance for Nephronophthisis. Last evaluated: 2022-11-13. Review status: criteria provided, single submitter. Criteria: Invitae Variant Classification Sherloc (09022015). Collection method: clinical testing. Allele origin: germline.
Comment: This sequence change replaces alanine, which is neutral and non-polar, with valine, which is neutral and non-polar, at codon 19 of the GLIS2 protein (p.Ala19Val). This variant is present in population databases (rs560306322, gnomAD 0.005%). This variant has not been reported in the literature in individuals affected with GLIS2-related conditions. ClinVar contains an entry for this variant (Variation ID: 884457). Algorithms developed to predict the effect of missense changes on protein structure and function output the following: SIFT: "Deleterious"; PolyPhen-2: "Benign"; Align-GVGD: "Class C0". The valine amino acid residue is found in multiple mammalian species, which suggests that this missense change does not adversely affect protein function. In summary, the available evidence is currently insufficient to determine the role of this variant in disease. Therefore, it has been classified as a Variant of Uncertain Significance.

Department of Pathology and Laboratory Medicine, Sinai Health System
Classification: Uncertain significance for Nephronophthisis 7. Last evaluated: 2020-06-08. Review status: criteria provided, single submitter. Criteria: ACMG Guidelines, 2015. Collection method: research. Allele origin: germline.

Illumina Laboratory Services, Illumina
Classification: Uncertain significance for Nephronophthisis 7. Last evaluated: 2018-01-13. Review status: criteria provided, single submitter. Criteria: ICSL Variant Classification Criteria 13 December 2019. Collection method: clinical testing. Allele origin: germline.